The following is an entry in ClinVar:

ClinVar aggregate classification (germline): Likely pathogenic (1 of 4 stars; one submission).

Conditions:
CHARGE syndrome (CHARGE). Also called: Hittner Hirsch Kreh syndrome; CHARGE ASSOCIATION--COLOBOMA, HEART ANOMALY, CHOANAL ATRESIA, RETARDATION, GENITAL AND EAR ANOMALIES; Coloboma, heart anomaly, choanal atresia, retardation, genital and ear anomalies; CHARGE association; Hall-Hittner syndrome. Identifiers: Orphanet 138, MedGen C0265354, MONDO:0008965.

Submission:

Labcorp Genetics (formerly Invitae), Labcorp
Classification: Likely pathogenic for CHARGE syndrome. Last evaluated: 2024-07-16. Review status: criteria provided, single submitter. Criteria: Invitae Variant Classification Sherloc (09022015). Collection method: clinical testing. Allele origin: germline.
Comment: This sequence change replaces aspartic acid, which is acidic and polar, with glycine, which is neutral and non-polar, at codon 849 of the CHD7 protein (p.Asp849Gly). This variant is not present in population databases (gnomAD no frequency). This missense change has been observed in individual(s) with clinical features of CHD7-related conditions (PMID: 35586607; Invitae). Advanced modeling of protein sequence and biophysical properties (such as structural, functional, and spatial information, amino acid conservation, physicochemical variation, residue mobility, and thermodynamic stability) performed at Invitae indicates that this missense variant is expected to disrupt CHD7 protein function with a positive predictive value of 95%. Algorithms developed to predict the effect of sequence changes on RNA splicing suggest that this variant may disrupt the consensus splice site. In summary, the currently available evidence indicates that the variant is pathogenic, but additional data are needed to prove that conclusively. Therefore, this variant has been classified as Likely Pathogenic.

Literature cited by the submitters: PubMed 35586607.

NM_017780.4(CHD7):c.2546A>G (p.Asp849Gly)

Gene: CHD7 (chromodomain helicase DNA binding protein 7; plus strand). Cytogenetic location: 8q12.2.
Variant type: single nucleotide variant.
Coding change: c.2546A>G on transcript NM_017780.4 (MANE Select); coding-DNA position 2546, A replaced by G.
Protein change: p.Asp849Gly; replaces aspartic acid 849 with glycine.
Molecular consequence: missense variant. On other transcripts: intron variant (1).
Genome position (GRCh38, 1-based): chr8:60,816,434, A>G. VCF-style: chr8-60816434-A-G. GRCh37 (hg19) VCF-style: chr8-61728993-A-G.
Other names: c.1716+35384A>G (NM_001316690.1); short protein forms D849G.
Identifiers: ClinVar variation 3659687 (VCV003659687.2).